The following is an entry in ClinVar:

NM_025137.4(SPG11):c.2065G>A (p.Glu689Lys)

Gene: SPG11 (SPG11 vesicle trafficking associated, spatacsin; minus strand). Cytogenetic location: 15q21.1.
Variant type: single nucleotide variant.
Coding change: c.2065G>A on transcript NM_025137.4 (MANE Select); coding-DNA position 2065, G replaced by A.
Protein change: p.Glu689Lys; replaces glutamic acid 689 with lysine.
Molecular consequence: missense variant.
Genome position (GRCh38, 1-based): chr15:44,628,671, C>T on the plus strand (G>A on the coding strand, the complement: SPG11 is on the minus strand). VCF-style: chr15-44628671-C-T. GRCh37 (hg19) VCF-style: chr15-44920869-C-T.
Other names: c.2065G>A, p.Glu689Lys (NM_001160227.2); short protein forms E689K.
Identifiers: ClinVar variation 1443400 (VCV001443400.6), dbSNP rs2141043236, ClinGen allele CA392234047.

ClinVar aggregate classification (germline): Uncertain significance (1 of 4 stars; one submission).

Conditions:
Hereditary spastic paraplegia 11. Also called: SPASTIC PARAPLEGIA, AUTOSOMAL RECESSIVE, COMPLICATED, WITH THIN CORPUS CALLOSUM; SPASTIC PARAPLEGIA, AUTOSOMAL RECESSIVE, WITH MENTAL IMPAIRMENT AND THIN CORPUS CALLOSUM; Spastic paraplegia, mental retardation and thin corpus callosum; Spastic Paraplegia 11; Nakamura Osame syndrome; Autosomal recessive hereditary spastic paraplegia, mental impairment, and thin corpus callosum. Identifiers: Orphanet 2822, MedGen C1858479, MONDO:0011445, OMIM 604360.

Submission:

Labcorp Genetics (formerly Invitae), Labcorp
Classification: Uncertain significance for Hereditary spastic paraplegia 11. Last evaluated: 2021-10-24. Review status: criteria provided, single submitter. Criteria: Invitae Variant Classification Sherloc (09022015). Collection method: clinical testing. Allele origin: germline.
Comment: This sequence change replaces glutamic acid with lysine at codon 689 of the SPG11 protein (p.Glu689Lys). The glutamic acid residue is highly conserved and there is a small physicochemical difference between glutamic acid and lysine. In summary, the available evidence is currently insufficient to determine the role of this variant in disease. Therefore, it has been classified as a Variant of Uncertain Significance. Algorithms developed to predict the effect of missense changes on protein structure and function output the following: SIFT: "Deleterious"; PolyPhen-2: "Probably Damaging"; Align-GVGD: "Class C0". The lysine amino acid residue is found in multiple mammalian species, which suggests that this missense change does not adversely affect protein function. This variant has not been reported in the literature in individuals affected with SPG11-related conditions. This variant is not present in population databases (ExAC no frequency).